The following is an entry in ClinVar:

ClinVar aggregate classification (germline): Likely pathogenic (1 of 4 stars; one submission).

Conditions:
Autosomal dominant Alport syndrome (ATS3A). Also called: ALPORT SYNDROME 3A, AUTOSOMAL DOMINANT; Alport syndrome dominant type; Renal failure and sensorineural hearing loss. Identifiers: Orphanet 63, Orphanet 88918, MedGen C5882663, MONDO:0007086, OMIM 104200.

Submission:

MVZ Medizinische Genetik Mainz
Classification: Likely pathogenic for Autosomal dominant Alport syndrome. Last evaluated: 2026-07-16. Review status: criteria provided, single submitter. Criteria: UK Practice Guidelines For Variant Classification V4 01 2020. Collection method: clinical testing. Allele origin: germline. Inheritance: Autosomal dominant inheritance. Affected: yes. Observed: 1 variant allele.
Comment: ACMG Criteria: PM1_STR,PM2_SUP,PP4

NM_000091.5(COL4A3):c.3644_3646delinsAAA (p.Arg1215_Gly1216delinsGlnArg)

Genes: COL4A3 (collagen type IV alpha 3 chain; plus strand), MFF-DT (MFF divergent transcript; minus strand). Cytogenetic location: 2q36.3.
Variant type: Indel.
Coding change: c.3644_3646delinsAAA on transcript NM_000091.5 (MANE Select); coding-DNA positions 3644 to 3646, GAG replaced by AAA.
Protein change: p.Arg1215_Gly1216delinsGlnArg.
Molecular consequence: missense variant.
Genome position (GRCh38, 1-based): chr2:227,297,752-227,297,754, GAG replaced by AAA. VCF-style: chr2-227297752-GAG-AAA. GRCh37 (hg19) VCF-style: chr2-228162468-GAG-AAA.
Identifiers: ClinVar variation 5038106 (VCV005038106.1).